The following is an entry in ClinVar:

ClinVar aggregate classification (germline): Uncertain significance. Review status: criteria provided, multiple submitters, no conflicts (2 of 4 stars). 2 submissions from 2 submitters: Uncertain significance (2). Last evaluated 2025-09-05.

Conditions:
Inborn genetic diseases. Identifiers: MedGen C0950123, MeSH D030342.

Allele frequency attached by ClinVar (database versions not stated): gnomAD 0.00001; gnomAD exomes 0.00001 and 0.00003; ExAC 0.00002.
gnomAD v4.1: 14 of 1,611,892 alleles (0.00087%); highest among the groups gnomAD compares: Admixed American, 0.012%; no homozygotes.

Submissions (2):

Ambry Genetics
Classification: Uncertain significance for Inborn genetic diseases. Last evaluated: 2025-09-05. Review status: criteria provided, single submitter. Criteria: Ambry Variant Classification Scheme 2023. Collection method: clinical testing. Allele origin: germline.

GeneDx
Classification: Uncertain significance. Last evaluated: 2020-02-21. Review status: criteria provided, single submitter. Criteria: GeneDx Variant Classification Process June 2021. Collection method: clinical testing. Allele origin: germline. Affected: yes.
Comment: In silico analysis, which includes protein predictors and evolutionary conservation, supports a deleterious effect; Has not been previously published as pathogenic or benign to our knowledge

NM_001371623.1(TCOF1):c.1228T>C (p.Ser410Pro)

Gene: TCOF1 (treacle ribosome biogenesis factor 1; plus strand). Cytogenetic location: 5q32.
Variant type: single nucleotide variant.
Coding change: c.1228T>C on transcript NM_001371623.1 (MANE Select); coding-DNA position 1228, T replaced by C.
Protein change: p.Ser410Pro; replaces serine 410 with proline.
Molecular consequence: missense variant.
Genome position (GRCh38, 1-based): chr5:150,374,761, T>C. VCF-style: chr5-150374761-T-C. GRCh37 (hg19) VCF-style: chr5-149754324-T-C.
Other names: c.997T>C, p.Ser333Pro (NM_000356.4, NM_001135245.2); c.1228T>C, p.Ser410Pro (NM_001008657.3, NM_001135243.2, NM_001135244.2 and 1 more transcripts); short protein forms S333P, S410P.
Identifiers: ClinVar variation 1191401 (VCV001191401.6), dbSNP rs749270349, ClinGen allele CA3510794.